The following is an entry in ClinVar:

ClinVar aggregate classification (germline): Pathogenic (1 of 4 stars; one submission).

Submission:

Labcorp Genetics (formerly Invitae), Labcorp
Classification: Pathogenic. Last evaluated: 2023-02-20. Review status: criteria provided, single submitter. Criteria: Invitae Variant Classification Sherloc (09022015). Collection method: clinical testing. Allele origin: germline.
Comment: This sequence change creates a premature translational stop signal (p.Leu210Argfs*19) in the WISP3 gene. It is expected to result in an absent or disrupted protein product. Loss-of-function variants in WISP3 are known to be pathogenic (PMID: 22791401). This variant has not been reported in the literature in individuals affected with WISP3-related conditions. For these reasons, this variant has been classified as Pathogenic. This variant is not present in population databases (gnomAD no frequency).

Literature cited by the submitters: PubMed 22791401.

NM_198239.2(CCN6):c.629_630del (p.Leu210fs)

Gene: CCN6 (cellular communication network factor 6; plus strand). Cytogenetic location: 6q21.
Variant type: Deletion.
Coding change: c.629_630del on transcript NM_198239.2 (MANE Select); coding-DNA positions 629 to 630, 2 bases deleted (TT; older notation c.629_630delTT).
Protein change: p.Leu210fs; shifts the reading frame from leucine 210.
Molecular consequence: frameshift variant. On other transcripts: non-coding transcript variant (2).
Genome position (GRCh38, 1-based): chr6:112,068,244-112,068,245, TT deleted. VCF-style (leftmost placement, unchanged base first): chr6-112068243-CTT-C. GRCh37 (hg19) VCF-style: chr6-112389446-CTT-C.
Other names: c.629_630del, p.Leu210fs (NM_003880.4); short protein forms L210fs.
Identifiers: ClinVar variation 2839235 (VCV002839235.3), dbSNP rs2546928929, ClinGen allele CA2739266050.